The following is an entry in ClinVar:

ClinVar aggregate classification (germline): Pathogenic. Review status: criteria provided, multiple submitters, no conflicts (2 of 4 stars). 2 submissions from 2 submitters: Pathogenic (2). Last evaluated 2025-07-26.

Conditions:
Breast-ovarian cancer, familial, susceptibility to, 1 (BROVCA1). Also called: BRCA1 Hereditary Breast and Ovarian Cancer; OVARIAN CANCER, SUSCEPTIBILITY TO. Identifiers: Orphanet 145, MedGen C2676676, MONDO:0011450, OMIM 604370. Disease mechanism: loss of function.
Hereditary breast ovarian cancer syndrome. Also called: Hereditary breast and ovarian cancer syndrome; Hereditary breast and ovarian cancer; Hereditary breast and ovarian cancer syndrome (HBOC); Breast and ovarian cancer; Hereditary breast and/or ovarian cancer syndrome; BRCA1- and BRCA2-Associated Hereditary Breast and Ovarian Cancer. Identifiers: Orphanet 145, MedGen C0677776, MeSH D061325, MONDO:0003582. Disease mechanism: loss of function.

Submissions (2):

Dasa
Classification: Pathogenic for Breast-ovarian cancer, familial, susceptibility to, 1. Last evaluated: 2025-07-26. Review status: criteria provided, single submitter. Criteria: DASA Assertion Criteria. Collection method: clinical testing. Allele origin: germline.
Comment: NM_007294.4(BRCA1):c.4829_4830del (p.Ser1610Cysfs*11) is a frameshift variant in BRCA1 predicted to alter the reading frame and introduce a premature termination codon and is predicted to result in an absent or altered protein product. Loss of function is an established disease mechanism for BRCA1 (PMID: 32375709; PMID: 21989022; PMID: 11802209). The affected residue or protein region has prior evidence supporting clinical relevance. Also, this variant is absent from population databases. Based on the currently available evidence, this variant is classified as pathogenic.

Labcorp Genetics (formerly Invitae), Labcorp
Classification: Pathogenic for Hereditary breast ovarian cancer syndrome. Last evaluated: 2023-05-27. Review status: criteria provided, single submitter. Criteria: Invitae Variant Classification Sherloc (09022015). Collection method: clinical testing. Allele origin: germline.
Comment: For these reasons, this variant has been classified as Pathogenic. This variant has not been reported in the literature in individuals affected with BRCA1-related conditions. This variant is not present in population databases (gnomAD no frequency). This sequence change creates a premature translational stop signal (p.Ser1610Cysfs*11) in the BRCA1 gene. It is expected to result in an absent or disrupted protein product. Loss-of-function variants in BRCA1 are known to be pathogenic (PMID: 20104584).

Literature cited by the submitters: PubMed 32375709 (cited by Dasa); PubMed 21989022 (cited by Dasa); PubMed 11802209 (cited by Dasa); PubMed 20104584 (cited by Labcorp Genetics (formerly Invitae), Labcorp).

NM_007294.4(BRCA1):c.4829_4830del (p.Ser1610fs)

Gene: BRCA1 (BRCA1 DNA repair associated; minus strand). Cytogenetic location: 17q21.31.
Variant type: Deletion.
Coding change: c.4829_4830del on transcript NM_007294.4 (MANE Select); coding-DNA positions 4829 to 4830, 2 bases deleted (CT; older notation c.4829_4830delCT).
Protein change: p.Ser1610fs; shifts the reading frame from serine 1610.
Molecular consequence: frameshift variant. On other transcripts: intron variant (1).
Genome position (GRCh38, 1-based): chr17:43,071,084-43,071,085, AG deleted on the plus strand (CT on the coding strand, the reverse complement: BRCA1 is on the minus strand); deleting any 2 consecutive bases within chr17:43,071,084-43,071,086 gives the same sequence; the c. name uses the placement nearest the transcript's 3' end. VCF-style (leftmost placement, unchanged base first): chr17-43071083-CAG-C. GRCh37 (hg19) VCF-style: chr17-41223100-CAG-C.
Other names: c.4703_4704del, p.Ser1568fs (NM_001407677.1, NM_001407678.1, NM_001407679.1 and 11 more transcripts); c.4697_4698del, p.Ser1566fs (NM_001407690.1, NM_001407691.1); c.4688_4689del, p.Ser1563fs (NM_001407692.1, NM_001407694.1, NM_001407695.1 and 13 more transcripts); c.4685_4686del, p.Ser1562fs (NM_001407734.1, NM_001407735.1, NM_001407736.1 and 21 more transcripts); c.4682_4683del, p.Ser1561fs (NM_001407838.1, NM_001407839.1, NM_001407841.1 and 12 more transcripts); c.4826_4827del, p.Ser1609fs (NM_001407859.1, NM_001407860.1, NM_001407618.1 and 17 more transcripts); c.4823_4824del, p.Ser1608fs (NM_001407861.1, NM_001407627.1, NM_001407636.1 and 14 more transcripts); c.4628_4629del, p.Ser1543fs (NM_001407862.1); and 72 more; short protein forms S1456fs, S1498fs, S1520fs, S1521fs, S1522fs, S1561fs, S1563fs, S1566fs.
Identifiers: ClinVar variation 2866739 (VCV002866739.5), dbSNP rs2550948129, ClinGen allele CA2739265598.